The following is an entry in ClinVar:

NM_000051.4(ATM):c.4207A>G (p.Ser1403Gly)

Gene: ATM (ATM serine/threonine kinase; plus strand). Cytogenetic location: 11q22.3.
Variant type: single nucleotide variant.
Coding change: c.4207A>G on transcript NM_000051.4 (MANE Select); coding-DNA position 4207, A replaced by G.
Protein change: p.Ser1403Gly; replaces serine 1403 with glycine.
Molecular consequence: missense variant.
Genome position (GRCh38, 1-based): chr11:108,289,074, A>G. VCF-style: chr11-108289074-A-G. GRCh37 (hg19) VCF-style: chr11-108159801-A-G.
Other names: c.4207A>G, p.Ser1403Gly (NM_001351834.2); short protein forms S1403G.
Identifiers: ClinVar variation 824678 (VCV000824678.6), dbSNP rs768726324, ClinGen allele CA382530395.

ClinVar aggregate classification (germline): Uncertain significance. Review status: criteria provided, multiple submitters, no conflicts (2 of 4 stars). 2 submissions from 2 submitters: Uncertain significance (2). Last evaluated 2020-06-10.

Conditions:
Familial cancer of breast. Also called: BREAST CANCER, FAMILIAL; Hereditary breast cancer; hereditary breast carcinoma. Identifiers: Orphanet 227535, MedGen C0346153, MONDO:0016419, OMIM 114480. Disease mechanism: loss of function.
Hereditary cancer-predisposing syndrome. Also called: Neoplastic Syndromes, Hereditary; Tumor predisposition; Hereditary neoplastic syndrome; Hereditary Cancer Syndrome. Identifiers: Orphanet 140162, MedGen C0027672, MeSH D009386, MONDO:0015356.

Submissions (2):

Baylor Genetics
Classification: Uncertain significance for Familial cancer of breast. Last evaluated: 2020-06-10. Review status: criteria provided, single submitter. Criteria: ACMG Guidelines, 2015. Collection method: clinical testing. Allele origin: unknown. Affected: yes.
Comment: This variant was determined to be of uncertain significance according to ACMG Guidelines, 2015 [PMID:25741868].

Ambry Genetics
Classification: Uncertain significance for Hereditary cancer-predisposing syndrome. Last evaluated: 2019-07-29. Review status: criteria provided, single submitter. Criteria: Ambry Variant Classification Scheme 2023. Collection method: clinical testing. Allele origin: germline.
Comment: The p.S1403G variant (also known as c.4207A>G), located in coding exon 27 of the ATM gene, results from an A to G substitution at nucleotide position 4207. The serine at codon 1403 is replaced by glycine, an amino acid with similar properties. This amino acid position is well conserved in available vertebrate species. In addition, this alteration is predicted to be tolerated by in silico analysis. Since supporting evidence is limited at this time, the clinical significance of this alteration remains unclear.